The following is an entry in ClinVar:

ClinVar aggregate classification (germline): Uncertain significance (1 of 4 stars; one submission).

Submission:

GeneDx
Classification: Uncertain significance. Last evaluated: 2025-06-02. Review status: criteria provided, single submitter. Criteria: GeneDx Variant Classification Process June 2021. Collection method: clinical testing. Allele origin: germline. Affected: yes.
Comment: Not observed at significant frequency in large population cohorts (gnomAD); In silico analysis supports that this missense variant has a deleterious effect on protein structure/function; Has not been previously published as pathogenic or benign to our knowledge; This variant is associated with the following publications: (PMID: 8486616)

NM_024426.6(WT1):c.827A>G (p.His276Arg)

Gene: WT1 (WT1 transcription factor; minus strand). Cytogenetic location: 11p13.
Variant type: single nucleotide variant.
Coding change: c.827A>G on transcript NM_024426.6 (MANE Select); coding-DNA position 827, A replaced by G.
Protein change: p.His276Arg; replaces histidine 276 with arginine.
Molecular consequence: missense variant. On other transcripts: non-coding transcript variant (2).
Genome position (GRCh38, 1-based): chr11:32,428,016, T>C on the plus strand (A>G on the coding strand, the complement: WT1 is on the minus strand). VCF-style: chr11-32428016-T-C. GRCh37 (hg19) VCF-style: chr11-32449562-T-C.
Other names: c.827A>G, p.His276Arg (NM_000378.6, NM_001407044.1, NM_001407045.1 and 4 more transcripts); c.176A>G, p.His59Arg (NM_001198551.2, NM_001198552.2); c.704A>G, p.His235Arg (NM_001407047.1, NM_001407050.1); c.65A>G, p.His22Arg (NM_001407051.1); c.608A>G, p.His203Arg (NM_001429031.1, NM_001429032.1, NM_001429033.1 and 1 more transcripts); short protein forms H203R, H22R, H235R, H271R, H276R, H59R.
Identifiers: ClinVar variation 4536397 (VCV004536397.1).